The following is an entry in ClinVar:

NM_000286.3(PEX12):c.382G>A (p.Val128Met)

Gene: PEX12 (peroxisomal biogenesis factor 12; minus strand). Cytogenetic location: 17q12.
Variant type: single nucleotide variant.
Coding change: c.382G>A on transcript NM_000286.3 (MANE Select); coding-DNA position 382, G replaced by A.
Protein change: p.Val128Met; replaces valine 128 with methionine.
Molecular consequence: missense variant.
Genome position (GRCh38, 1-based): chr17:35,577,336, C>T on the plus strand (G>A on the coding strand, the complement: PEX12 is on the minus strand). VCF-style: chr17-35577336-C-T. GRCh37 (hg19) VCF-style: chr17-33904355-C-T.
Other names: short protein forms V128M.
Identifiers: ClinVar variation 1427814 (VCV001427814.6), dbSNP rs2142230817, ClinGen allele CA399138251.

ClinVar aggregate classification (germline): Uncertain significance (1 of 4 stars; one submission).

Conditions:
Peroxisome biogenesis disorder 3A (Zellweger). Also called: Peroxisome biogenesis disorder 3A; PEROXISOMAL BIOGENESIS DISORDER 3A (ZELLWEGER). Identifiers: Orphanet 912, MedGen C3553929, MONDO:0013927, OMIM 614859.

Submission:

Labcorp Genetics (formerly Invitae), Labcorp
Classification: Uncertain significance for Peroxisome biogenesis disorder 3A (Zellweger). Last evaluated: 2021-11-27. Review status: criteria provided, single submitter. Criteria: Invitae Variant Classification Sherloc (09022015). Collection method: clinical testing. Allele origin: germline.
Comment: In summary, the available evidence is currently insufficient to determine the role of this variant in disease. Therefore, it has been classified as a Variant of Uncertain Significance. Algorithms developed to predict the effect of missense changes on protein structure and function are either unavailable or do not agree on the potential impact of this missense change (SIFT: "Tolerated"; PolyPhen-2: "Possibly Damaging"; Align-GVGD: "Class C0"). This variant has not been reported in the literature in individuals affected with PEX12-related conditions. This variant is not present in population databases (gnomAD no frequency). This sequence change replaces valine, which is neutral and non-polar, with methionine, which is neutral and non-polar, at codon 128 of the PEX12 protein (p.Val128Met).